The following is an entry in ClinVar:

NM_006648.4(WNK2):c.4056G>C (p.Gln1352His)

Gene: WNK2 (WNK lysine deficient protein kinase 2; plus strand). Cytogenetic location: 9q22.31.
Variant type: single nucleotide variant.
Coding change: c.4056G>C on transcript NM_006648.4 (MANE Select); coding-DNA position 4056, G replaced by C.
Protein change: p.Gln1352His; replaces glutamine 1352 with histidine.
Molecular consequence: missense variant.
Genome position (GRCh38, 1-based): chr9:93,288,810, G>C. VCF-style: chr9-93288810-G-C. GRCh37 (hg19) VCF-style: chr9-96051092-G-C.
Other names: c.4167G>C, p.Gln1389His (NM_001282394.3); short protein forms Q1389H, Q1352H.
Identifiers: ClinVar variation 3982076 (VCV003982076.1).

ClinVar aggregate classification (germline): Uncertain significance (1 of 4 stars; one submission).

Submission:

Ambry Genetics
Classification: Uncertain significance. Last evaluated: 2025-05-19. Review status: criteria provided, single submitter. Criteria: Ambry Variant Classification Scheme 2023. Collection method: clinical testing. Allele origin: germline.
Comment: The p.Q1352H variant (also known as c.4056G>C), located in coding exon 19 of the WNK2 gene, results from a G to C substitution at nucleotide position 4056. The glutamine at codon 1352 is replaced by histidine, an amino acid with highly similar properties. This amino acid position is conserved. In addition, this alteration is predicted to be tolerated by in silico analysis. Based on the available evidence, the clinical significance of this variant remains unclear.